The following is an entry in ClinVar:

NM_000057.4(BLM):c.816G>A (p.Lys272=)

Gene: BLM (BLM RecQ like helicase; plus strand). Cytogenetic location: 15q26.1.
Variant type: single nucleotide variant.
Coding change: c.816G>A on transcript NM_000057.4 (MANE Select); coding-DNA position 816, G replaced by A.
Protein change: p.Lys272=; no amino-acid change (lysine 272 retained).
Molecular consequence: synonymous variant. On other transcripts: 5 prime UTR variant (1).
Genome position (GRCh38, 1-based): chr15:90,751,803, G>A. VCF-style: chr15-90751803-G-A. GRCh37 (hg19) VCF-style: chr15-91295033-G-A.
Other names: c.816G>A (LRG_20t1); c.816G>A, p.Lys272= (NM_001287246.2, NM_001287247.2); c.-476G>A (NM_001287248.2).
Identifiers: ClinVar variation 454166 (VCV000454166.25), dbSNP rs139295905, ClinGen allele CA7738373.
Genomic context (GRCh38, chr15:90,751,803, plus strand): 5'-ATTAGTGGTTAACAAATCTATGTTTATCAACTGTTTTACTGTAGATAATAGCGAAAAGAA[G>A]AAGAATTTGGAAGAAGCTGAATTACATTCAACTGAGAAAGTTCCATGTATTGAATTTGAT-3'
Protein context (NP_000048.1, residues 262-282): LEDERDNSEK[Lys272=]KNLEEAELHS

ClinVar aggregate classification (germline): Conflicting classifications of pathogenicity. Review status: criteria provided, conflicting classifications (1 of 4 stars). 8 submissions from 8 submitters: Uncertain significance (1); Benign (1); Likely benign (5). 1 of the submissions does not count toward it. Last evaluated 2026-01-28.

Conditions:
BLM-related disorder. Also called: BLM-related condition.
Hereditary cancer-predisposing syndrome. Also called: Tumor predisposition; Hereditary neoplastic syndrome; Neoplastic Syndromes, Hereditary; Hereditary Cancer Syndrome. Identifiers: Orphanet 140162, MedGen C0027672, MeSH D009386, MONDO:0015356.
Bloom syndrome (BLM). Also called: Bloom-Torre-Machacek syndrome. Identifiers: Orphanet 125, MedGen C0005859, MONDO:0008876, OMIM 210900.

Allele frequency attached by ClinVar (database versions not stated): ExAC 0.00007; gnomAD exomes 0.00010 and 0.00003; ESP Exome Variant Server 0.00015; gnomAD 0.00038 and 0.00040; TOPMed 0.00045.
gnomAD v4.1: 116 of 1,612,170 alleles (0.0072%); highest among the groups gnomAD compares: African/African-American, 0.14%; no homozygotes.

Submissions (8):

Labcorp Genetics (formerly Invitae), Labcorp
Classification: Benign for Bloom syndrome. Last evaluated: 2026-01-28. Review status: criteria provided, single submitter. Criteria: Invitae Variant Classification Sherloc (09022015). Collection method: clinical testing. Allele origin: germline.

PreventionGenetics, part of Exact Sciences
Classification: Likely benign for BLM-related condition. Last evaluated: 2025-05-20. Review status: criteria provided, single submitter. Criteria: ACMG Guidelines, 2015. Collection method: clinical testing. Allele origin: germline.
Comment: This variant is classified as likely benign based on ACMG/AMP sequence variant interpretation guidelines (Richards et al. 2015 PMID: 25741868, with internal and published modifications).

Quest Diagnostics Nichols Institute San Juan Capistrano
Classification: Likely benign. Last evaluated: 2025-03-26. Review status: criteria provided, single submitter. Criteria: Quest Diagnostics criteria. Collection method: clinical testing. Allele origin: unknown.

GeneDx
Classification: Uncertain significance. Last evaluated: 2024-08-08. Review status: criteria provided, single submitter. Criteria: GeneDx Variant Classification Process June 2021. Collection method: clinical testing. Allele origin: germline. Affected: yes.
Comment: In silico analysis supports that this variant does not alter splicing; Has not been previously published as pathogenic or benign to our knowledge

Sema4
Classification: Likely benign for Hereditary cancer-predisposing syndrome. Last evaluated: 2022-01-26. Review status: criteria provided, single submitter. Criteria: Sema4 Curation Guidelines. Collection method: curation. Allele origin: germline.

Ambry Genetics
Classification: Likely benign for Hereditary cancer-predisposing syndrome. Last evaluated: 2018-09-05. Review status: criteria provided, single submitter. Criteria: Ambry Variant Classification Scheme 2023. Collection method: clinical testing. Allele origin: germline.

Breakthrough Genomics
Classification: Likely benign. Review status: criteria provided, single submitter. Criteria: ACMG Guidelines, 2015. Collection method: not provided. Allele origin: germline. Inheritance: Autosomal recessive inheritance. Affected: yes.

Natera, Inc.
Classification: Likely benign for Bloom syndrome. Last evaluated: 2018-04-09. Review status: no assertion criteria provided. Collection method: clinical testing. Allele origin: germline. Not counted in ClinVar's aggregate classification.